The following is an entry in ClinVar:

NM_001164760.2(PRKAR1B):c.1004G>A (p.Arg335Gln)

Gene: PRKAR1B (protein kinase cAMP-dependent type I regulatory subunit beta; minus strand). Cytogenetic location: 7p22.3.
Variant type: single nucleotide variant.
Coding change: c.1004G>A on transcript NM_001164760.2 (MANE Select); coding-DNA position 1004, G replaced by A.
Protein change: p.Arg335Gln; replaces arginine 335 with glutamine.
Molecular consequence: missense variant.
Genome position (GRCh38, 1-based): chr7:550,572, C>T on the plus strand (G>A on the coding strand, the complement: PRKAR1B is on the minus strand). VCF-style: chr7-550572-C-T. GRCh37 (hg19) VCF-style: chr7-590209-C-T.
Other names: c.1004G>A, p.Arg335Gln (NM_001164758.2, NM_001164759.1, NM_001164761.2 and 2 more transcripts); short protein forms R335Q.
Identifiers: ClinVar variation 2068024 (VCV002068024.4), dbSNP rs758240013, ClinGen allele CA4109838.

ClinVar aggregate classification (germline): Uncertain significance (1 of 4 stars; one submission).

Allele frequency attached by ClinVar (database versions not stated): ExAC 0.00001; gnomAD 0.00001; TOPMed 0.00002.
gnomAD v4.1: 10 of 1,593,518 alleles (0.00063%); highest among the groups gnomAD compares: South Asian, 0.0023%; no homozygotes.

Submission:

Labcorp Genetics (formerly Invitae), Labcorp
Classification: Uncertain significance. Last evaluated: 2022-01-01. Review status: criteria provided, single submitter. Criteria: Invitae Variant Classification Sherloc (09022015). Collection method: clinical testing. Allele origin: germline.
Comment: This sequence change replaces arginine, which is basic and polar, with glutamine, which is neutral and polar, at codon 335 of the PRKAR1B protein (p.Arg335Gln). The frequency data for this variant in the population databases is considered unreliable, as metrics indicate poor data quality at this position in the gnomAD database. This variant has not been reported in the literature in individuals affected with PRKAR1B-related conditions. Algorithms developed to predict the effect of missense changes on protein structure and function are either unavailable or do not agree on the potential impact of this missense change (SIFT: "Deleterious"; PolyPhen-2: "Possibly Damaging"; Align-GVGD: "Class C0"). Algorithms developed to predict the effect of sequence changes on RNA splicing suggest that this variant may create or strengthen a splice site. In summary, the available evidence is currently insufficient to determine the role of this variant in disease. Therefore, it has been classified as a Variant of Uncertain Significance.